The following is an entry in ClinVar:

NM_001875.5(CPS1):c.3626T>C (p.Met1209Thr)

Gene: CPS1 (carbamoyl-phosphate synthase 1; plus strand). Cytogenetic location: 2q34.
Variant type: single nucleotide variant.
Coding change: c.3626T>C on transcript NM_001875.5 (MANE Select); coding-DNA position 3626, T replaced by C.
Protein change: p.Met1209Thr; replaces methionine 1209 with threonine.
Molecular consequence: missense variant. On other transcripts: non-coding transcript variant (2).
Genome position (GRCh38, 1-based): chr2:210,656,592, T>C. VCF-style: chr2-210656592-T-C. GRCh37 (hg19) VCF-style: chr2-211521316-T-C.
Other names: c.3626T>C (LRG_336t1); c.3626T>C, p.Met1209Thr (NM_001122633.3, NM_001369257.1); c.3659T>C, p.Met1220Thr (NM_001369256.1); short protein forms M1209T, M1220T.
Identifiers: ClinVar variation 210758 (VCV000210758.24), dbSNP rs200569046, ClinGen allele CA205991.
Genomic context (GRCh38, chr2:210,656,592, plus strand): 5'-CTCATGCCATCTCTGAACATGTTGAAGATGCAGGTGTCCACTCGGGAGATGCCACTCTGA[T>C]GCTGCCCACACAAACCATCAGCCAAGGGGCCATTGAAAAGGTCATCATTTATAAATAAAA-3'
Protein context (NP_001866.2, residues 1199-1219): AGVHSGDATL[Met1209Thr]LPTQTISQGA

ClinVar aggregate classification (germline): Conflicting classifications of pathogenicity. Review status: criteria provided, conflicting classifications (1 of 4 stars). 5 submissions from 5 submitters: Uncertain significance (2); Likely benign (2). 1 of the submissions does not count toward it. Last evaluated 2026-01-20.

Conditions:
Congenital hyperammonemia, type I. Also called: CPS I DEFICIENCY; Carbamoyl phosphate synthetase I deficiency disease; Carbamoyl-phosphate synthase I deficiency; Carbamoyl phosphate synthetase 1 deficiency; Hyperammonemia due to carbamoyl phosphate synthetase 1 deficiency; CPS 1 deficiency. Identifiers: Orphanet 147, MedGen C4082171, MONDO:0009376, OMIM 237300.

Allele frequency attached by ClinVar (database versions not stated): gnomAD 0.00018 and 0.00021; gnomAD exomes 0.00021 and 0.00054; TOPMed 0.00023; ExAC 0.00048; 1000 Genomes Project 0.00100; 1000 Genomes Project 30x 0.00109.

Submissions (5):

Labcorp Genetics (formerly Invitae), Labcorp
Classification: Likely benign for Congenital hyperammonemia, type I. Last evaluated: 2026-01-20. Review status: criteria provided, single submitter. Criteria: Invitae Variant Classification Sherloc (09022015). Collection method: clinical testing. Allele origin: germline.

Elsea Laboratory, Baylor College of Medicine
Classification: Uncertain significance for Congenital hyperammonemia, type I. Last evaluated: 2020-04-01. Review status: criteria provided, single submitter. Criteria: ACMG Guidelines, 2015. Collection method: clinical testing. Allele origin: germline. Affected: no.

Illumina Laboratory Services, Illumina
Classification: Likely benign for Congenital hyperammonemia, type I. Last evaluated: 2018-01-13. Review status: criteria provided, single submitter. Criteria: ICSL Variant Classification Criteria 13 December 2019. Collection method: clinical testing. Allele origin: germline.
Comment: This variant was observed in the ICSL laboratory as part of a predisposition screen in an ostensibly healthy population. It had not been previously curated by ICSL or reported in the Human Gene Mutation Database (HGMD: prior to June 1st, 2018), and was therefore a candidate for classification through an automated scoring system. Utilizing variant allele frequency, disease prevalence and penetrance estimates, and inheritance mode, an automated score was calculated to assess if this variant is too frequent to cause the disease. Based on the score and internal cut-off values, a variant classified as likely benign is not then subjected to further curation. The score for this variant resulted in a classification of likely benign for this disease.

Genetic Services Laboratory, University of Chicago
Classification: Uncertain significance. Last evaluated: 2014-06-10. Review status: criteria provided, single submitter. Criteria: ACMG Guidelines, 2015. Collection method: clinical testing. Allele origin: germline.

Natera, Inc.
Classification: Benign for Carbamoyl-phosphate synthase I deficiency. Last evaluated: 2020-01-08. Review status: no assertion criteria provided. Collection method: clinical testing. Allele origin: germline. Not counted in ClinVar's aggregate classification.